The following is an entry in ClinVar:

ClinVar aggregate classification (germline): Uncertain significance. Review status: criteria provided, multiple submitters, no conflicts (2 of 4 stars). 2 submissions from 2 submitters: Uncertain significance (2). Last evaluated 2025-09-26.

Conditions:
Oligodontia-cancer predisposition syndrome. Also called: TOOTH AGENESIS-COLORECTAL CANCER SYNDROME. Identifiers: Orphanet 300576, MedGen C1837750, MONDO:0012075, OMIM 608615. Disease mechanism: loss of function.
Hereditary cancer-predisposing syndrome. Also called: Hereditary Cancer Syndrome; Tumor predisposition; Hereditary neoplastic syndrome; Neoplastic Syndromes, Hereditary. Identifiers: Orphanet 140162, MedGen C0027672, MeSH D009386, MONDO:0015356.

Allele frequency attached by ClinVar (database versions not stated): gnomAD exomes below 0.00001; ExAC 0.00001.
gnomAD v4.1: 2 of 1,613,940 alleles (0.00012%); highest among the groups gnomAD compares: East Asian, 0.0045%; no homozygotes.

Submissions (2):

Ambry Genetics
Classification: Uncertain significance for Hereditary cancer-predisposing syndrome. Last evaluated: 2025-09-26. Review status: criteria provided, single submitter. Criteria: Ambry Variant Classification Scheme 2023. Collection method: clinical testing. Allele origin: germline.
Comment: The p.E548G variant (also known as c.1643A>G), located in coding exon 5 of the AXIN2 gene, results from an A to G substitution at nucleotide position 1643. The glutamic acid at codon 548 is replaced by glycine, an amino acid with similar properties. This amino acid position is conserved. In addition, this alteration is predicted to be tolerated by in silico analysis. Based on the available evidence, the clinical significance of this variant remains unclear.

Labcorp Genetics (formerly Invitae), Labcorp
Classification: Uncertain significance for Oligodontia-cancer predisposition syndrome. Last evaluated: 2024-05-23. Review status: criteria provided, single submitter. Criteria: Invitae Variant Classification Sherloc (09022015). Collection method: clinical testing. Allele origin: germline.
Comment: This sequence change replaces glutamic acid, which is acidic and polar, with glycine, which is neutral and non-polar, at codon 548 of the AXIN2 protein (p.Glu548Gly). This variant is present in population databases (rs753407346, gnomAD 0.006%). This variant has not been reported in the literature in individuals affected with AXIN2-related conditions. ClinVar contains an entry for this variant (Variation ID: 2187722). Advanced modeling of protein sequence and biophysical properties (such as structural, functional, and spatial information, amino acid conservation, physicochemical variation, residue mobility, and thermodynamic stability) performed at Invitae indicates that this missense variant is not expected to disrupt AXIN2 protein function with a negative predictive value of 80%. In summary, the available evidence is currently insufficient to determine the role of this variant in disease. Therefore, it has been classified as a Variant of Uncertain Significance.

NM_004655.4(AXIN2):c.1643A>G (p.Glu548Gly)

Gene: AXIN2 (axin 2; minus strand). Cytogenetic location: 17q24.1.
Variant type: single nucleotide variant.
Coding change: c.1643A>G on transcript NM_004655.4 (MANE Select); coding-DNA position 1643, A replaced by G.
Protein change: p.Glu548Gly; replaces glutamic acid 548 with glycine.
Molecular consequence: missense variant.
Genome position (GRCh38, 1-based): chr17:65,537,393, T>C on the plus strand (A>G on the coding strand, the complement: AXIN2 is on the minus strand). VCF-style: chr17-65537393-T-C. GRCh37 (hg19) VCF-style: chr17-63533511-T-C.
Other names: c.1643A>G, p.Glu548Gly (NM_001363813.1); short protein forms E548G.
Identifiers: ClinVar variation 2187722 (VCV002187722.5), dbSNP rs753407346, ClinGen allele CA8718584.